The following is an entry in ClinVar:

ClinVar aggregate classification (germline): Uncertain significance (1 of 4 stars; one submission).

Conditions:
Oligodontia-cancer predisposition syndrome. Also called: TOOTH AGENESIS-COLORECTAL CANCER SYNDROME. Identifiers: Orphanet 300576, MedGen C1837750, MONDO:0012075, OMIM 608615. Disease mechanism: loss of function.

Submission:

Labcorp Genetics (formerly Invitae), Labcorp
Classification: Uncertain significance for Oligodontia-cancer predisposition syndrome. Last evaluated: 2021-06-09. Review status: criteria provided, single submitter. Criteria: Invitae Variant Classification Sherloc (09022015). Collection method: clinical testing. Allele origin: germline.
Comment: This sequence change replaces valine with phenylalanine at codon 280 of the AXIN2 protein (p.Val280Phe). The valine residue is moderately conserved and there is a small physicochemical difference between valine and phenylalanine. This variant is not present in population databases (ExAC no frequency). In summary, the available evidence is currently insufficient to determine the role of this variant in disease. Therefore, it has been classified as a Variant of Uncertain Significance. Algorithms developed to predict the effect of missense changes on protein structure and function (SIFT, PolyPhen-2, Align-GVGD) all suggest that this variant is likely to be tolerated, but these predictions have not been confirmed by published functional studies and their clinical significance is uncertain. This variant has not been reported in the literature in individuals with AXIN2-related conditions.

NM_004655.4(AXIN2):c.838G>T (p.Val280Phe)

Gene: AXIN2 (axin 2; minus strand). Cytogenetic location: 17q24.1.
Variant type: single nucleotide variant.
Coding change: c.838G>T on transcript NM_004655.4 (MANE Select); coding-DNA position 838, G replaced by T.
Protein change: p.Val280Phe; replaces valine 280 with phenylalanine.
Molecular consequence: missense variant.
Genome position (GRCh38, 1-based): chr17:65,549,638, C>A on the plus strand (G>T on the coding strand, the complement: AXIN2 is on the minus strand). VCF-style: chr17-65549638-C-A. GRCh37 (hg19) VCF-style: chr17-63545756-C-A.
Other names: c.838G>T, p.Val280Phe (NM_001363813.1); short protein forms V280F.
Identifiers: ClinVar variation 1360069 (VCV001360069.8), dbSNP rs1214147932, ClinGen allele CA400679666.
Genomic context (GRCh38, chr17:65,549,638, plus strand): 5'-TGTCGTTGGCGCTGGTGGCTGGTGCAAAGACATAGCCAGAACCTATGTGATAAGGATTAA[C>A]AGGATCGCTCCTCTTGAAGGACCTATGGGCAAAGTACAAAAGTGGTTCAGTCACTGACCC-3'
Protein context (NP_004646.3, residues 270-290): GYRSFKRSDP[Val280Phe]NPYHIGSGYV